The following is an entry in ClinVar:

ClinVar aggregate classification (germline): Uncertain significance (1 of 4 stars; one submission).

Allele frequency attached by ClinVar (database versions not stated): gnomAD exomes 0.00001.
gnomAD v4.1: 5 of 1,613,864 alleles (0.00031%); highest among the groups gnomAD compares: Non-Finnish European, 0.00034%; no homozygotes.

Submission:

Labcorp Genetics (formerly Invitae), Labcorp
Classification: Uncertain significance. Last evaluated: 2017-09-12. Review status: criteria provided, single submitter. Criteria: Invitae Variant Classification Sherloc (09022015). Collection method: clinical testing. Allele origin: germline.
Comment: In summary, the available evidence is currently insufficient to determine the role of this variant in disease. Therefore, it has been classified as a Variant of Uncertain Significance. Algorithms developed to predict the effect of missense changes on protein structure and function (SIFT, PolyPhen-2, Align-GVGD) all suggest that this variant is likely to be disruptive, but these predictions have not been confirmed by published functional studies and their clinical significance is uncertain. This variant has not been reported in the literature in individuals with ZFHX4-related disease. This variant is not present in population databases (ExAC no frequency). This sequence change replaces arginine with tryptophan at codon 2926 of the ZFHX4 protein (p.Arg2926Trp). The arginine residue is highly conserved and there is a moderate physicochemical difference between arginine and tryptophan.

NM_024721.5(ZFHX4):c.8776C>T (p.Arg2926Trp)

Gene: ZFHX4 (zinc finger homeobox 4; plus strand). Cytogenetic location: 8q21.13.
Variant type: single nucleotide variant.
Coding change: c.8776C>T on transcript NM_024721.5 (MANE Select); coding-DNA position 8776, C replaced by T.
Protein change: p.Arg2926Trp; replaces arginine 2926 with tryptophan.
Molecular consequence: missense variant.
Genome position (GRCh38, 1-based): chr8:76,855,697, C>T. VCF-style: chr8-76855697-C-T. GRCh37 (hg19) VCF-style: chr8-77767933-C-T.
Other names: short protein forms R2926W.
Identifiers: ClinVar variation 1044197 (VCV001044197.8), dbSNP rs1213805441, ClinGen allele CA371523351.